The following is an entry in ClinVar:

NM_182948.4(PRKACB):c.236A>G (p.Glu79Gly)

Gene: PRKACB (protein kinase cAMP-activated catalytic subunit beta; plus strand). Cytogenetic location: 1p31.1.
Variant type: single nucleotide variant.
Coding change: c.236A>G on transcript NM_182948.4 (MANE Select); coding-DNA position 236, A replaced by G.
Protein change: p.Glu79Gly; replaces glutamic acid 79 with glycine.
Molecular consequence: missense variant.
Genome position (GRCh38, 1-based): chr1:84,179,225, A>G. VCF-style: chr1-84179225-A-G. GRCh37 (hg19) VCF-style: chr1-84644908-A-G.
Other names: c.116A>G, p.Glu39Gly (NM_001242857.3, NM_001375569.1, NM_001375581.1); c.59A>G, p.Glu20Gly (NM_001242858.3, NM_001300917.2, NM_001375578.1); c.107A>G, p.Glu36Gly (NM_001242859.3, NM_001375572.1); c.113A>G, p.Glu38Gly (NM_001242860.3, NM_001300915.2, NM_001375571.1); c.104A>G, p.Glu35Gly (NM_001242861.3, NM_001375560.1, NM_001375573.1 and 1 more transcripts); c.236A>G, p.Glu79Gly (NM_001300916.2); c.89A>G, p.Glu30Gly (NM_001375561.1, NM_001375574.1, NM_001375577.1); c.92A>G, p.Glu31Gly (NM_001375562.1); and 4 more; short protein forms E19G, E20G, E27G, E28G, E30G, E31G, E32G, E35G.
Identifiers: ClinVar variation 4681929 (VCV004681929.5).

ClinVar aggregate classification (germline): Uncertain significance (1 of 4 stars; one submission).

Submission:

CeGaT Center for Human Genetics Tuebingen
Classification: Uncertain significance. Last evaluated: 2025-12-01. Review status: criteria provided, single submitter. Criteria: CeGaT Center For Human Genetics Tuebingen Variant Classification Criteria Version 2. Collection method: clinical testing. Allele origin: germline. Affected: yes. Observed: 1 variant allele.
Comment: PRKACB: PM2, BP4